The following is an entry in ClinVar:

NM_000361.3(THBD):c.1592C>T (p.Ala531Val)

Gene: THBD (thrombomodulin; minus strand). Cytogenetic location: 20p11.21.
Variant type: single nucleotide variant.
Coding change: c.1592C>T on transcript NM_000361.3 (MANE Select); coding-DNA position 1592, C replaced by T.
Protein change: p.Ala531Val; replaces alanine 531 with valine.
Molecular consequence: missense variant.
Genome position (GRCh38, 1-based): chr20:23,047,913, G>A on the plus strand (C>T on the coding strand, the complement: THBD is on the minus strand). VCF-style: chr20-23047913-G-A. GRCh37 (hg19) VCF-style: chr20-23028550-G-A.
Other names: c.1592C>T (NM_000361.2); short protein forms A531V.
Identifiers: ClinVar variation 1423381 (VCV001423381.10), dbSNP rs756102720, ClinGen allele CA9787527.
Genomic context (GRCh38, chr20:23,047,913, plus strand): 5'-TCCATCTTGGCCCTGGCGGCGCCCTGCTTCTTGCGCAGGTGGCAGAGGAGCGCCAAAAGC[G>A]CCACCACCAGGCACAGGCTCGCGATGGAGATGCCTATGAGCAAGCCCGAATGCACGAGCC-3'
Protein context (NP_000352.1, residues 521-541): ISIASLCLVV[Ala531Val]LLALLCHLRK

ClinVar aggregate classification (germline): Conflicting classifications of pathogenicity. Review status: criteria provided, conflicting classifications (1 of 4 stars). 3 submissions from 3 submitters: Uncertain significance (2); Likely benign (1). Last evaluated 2024-07-23.

Conditions:
Inborn genetic diseases. Identifiers: MedGen C0950123, MeSH D030342.

Allele frequency attached by ClinVar (database versions not stated): ExAC 0.00003.
gnomAD v4.1: 30 of 1,609,538 alleles (0.0019%); highest among the groups gnomAD compares: Middle Eastern, 0.016%; no homozygotes.

Submissions (3):

Labcorp Genetics (formerly Invitae), Labcorp
Classification: Uncertain significance. Last evaluated: 2024-07-23. Review status: criteria provided, single submitter. Criteria: Invitae Variant Classification Sherloc (09022015). Collection method: clinical testing. Allele origin: germline.
Comment: This sequence change replaces alanine, which is neutral and non-polar, with valine, which is neutral and non-polar, at codon 531 of the THBD protein (p.Ala531Val). This variant is present in population databases (rs756102720, gnomAD 0.006%). This variant has not been reported in the literature in individuals affected with THBD-related conditions. ClinVar contains an entry for this variant (Variation ID: 1423381). Advanced modeling of protein sequence and biophysical properties (such as structural, functional, and spatial information, amino acid conservation, physicochemical variation, residue mobility, and thermodynamic stability) performed at Invitae indicates that this missense variant is not expected to disrupt THBD protein function with a negative predictive value of 80%. In summary, the available evidence is currently insufficient to determine the role of this variant in disease. Therefore, it has been classified as a Variant of Uncertain Significance.

Blueprint Genetics
Classification: Likely benign. Last evaluated: 2024-06-26. Review status: criteria provided, single submitter. Criteria: ACMG Guidelines, 2015. Collection method: clinical testing. Allele origin: germline.

Ambry Genetics
Classification: Uncertain significance for Inborn genetic diseases. Last evaluated: 2022-06-30. Review status: criteria provided, single submitter. Criteria: Ambry Variant Classification Scheme 2023. Collection method: clinical testing. Allele origin: germline.